The following is an entry in ClinVar:

NM_007194.4(CHEK2):c.664_676del (p.Met222fs)

Gene: CHEK2 (checkpoint kinase 2; minus strand). Cytogenetic location: 22q12.1.
Variant type: Deletion.
Coding change: c.664_676del on transcript NM_007194.4 (MANE Select); coding-DNA positions 664 to 676, 13 bases deleted (ATGTCAAAAACTC).
Protein change: p.Met222fs; shifts the reading frame from methionine 222.
Molecular consequence: frameshift variant. On other transcripts: initiator codon variant (2), intron variant (1).
Genome position (GRCh38, 1-based): chr22:28,719,402-28,719,414, GAGTTTTTGACAT deleted on the plus strand (ATGTCAAAAACTC on the coding strand, the reverse complement: CHEK2 is on the minus strand); deleting any 13 consecutive bases within chr22:28,719,402-28,719,416 gives the same sequence; the c. name uses the placement nearest the transcript's 3' end. VCF-style (leftmost placement, unchanged base first): chr22-28719401-AGAGTTTTTGACAT-A. GRCh37 (hg19) VCF-style: chr22-29115389-AGAGTTTTTGACAT-A.
Other names: c.793_805del, p.Met265fs (NM_001005735.3, NM_001438294.1); c.1_13del, p.Met1fs (NM_001257387.3, NM_001437942.1); c.757_769del, p.Met253fs (NM_001438293.1, NM_001438295.1); c.664_676del, p.Met222fs (NM_145862.3); c.482+5472_482+5484del (NM_001349956.3); short protein forms M1fs, M222fs, M265fs, M253fs.
Identifiers: ClinVar variation 1070237 (VCV001070237.8), dbSNP rs2146004773, ClinGen allele CA2499226088.

ClinVar aggregate classification (germline): Pathogenic (1 of 4 stars; one submission).

Conditions:
Familial cancer of breast. Also called: hereditary breast carcinoma; BREAST CANCER, FAMILIAL; Hereditary breast cancer. Identifiers: Orphanet 227535, MedGen C0346153, MONDO:0016419, OMIM 114480. Disease mechanism: loss of function.

Submission:

Labcorp Genetics (formerly Invitae), Labcorp
Classification: Pathogenic for Familial cancer of breast. Last evaluated: 2020-04-14. Review status: criteria provided, single submitter. Criteria: Invitae Variant Classification Sherloc (09022015). Collection method: clinical testing. Allele origin: germline.
Comment: For these reasons, this variant has been classified as Pathogenic. Loss-of-function variants in CHEK2 are known to be pathogenic (PMID: 21876083, 24713400). This variant has not been reported in the literature in individuals with CHEK2-related conditions. This variant is not present in population databases (ExAC no frequency). This sequence change creates a premature translational stop signal (p.Met222Leufs*9) in the CHEK2 gene. It is expected to result in an absent or disrupted protein product.

Literature cited by the submitters: PubMed 21876083; PubMed 24713400.